The following is an entry in ClinVar:

ClinVar aggregate classification (germline): Uncertain significance. Review status: criteria provided, multiple submitters, no conflicts (2 of 4 stars). 2 submissions from 2 submitters: Uncertain significance (2). Last evaluated 2025-02-08.

Allele frequency attached by ClinVar (database versions not stated): gnomAD exomes 0.00001.
gnomAD v4.1: 3 of 1,614,166 alleles (0.00019%); highest among the groups gnomAD compares: East Asian, 0.0067%; no homozygotes.

Submissions (2):

Ambry Genetics
Classification: Uncertain significance. Last evaluated: 2025-02-08. Review status: criteria provided, single submitter. Criteria: Ambry Variant Classification Scheme 2023. Collection method: clinical testing. Allele origin: germline.
Comment: The p.G362S variant (also known as c.1084G>A), located in coding exon 6 of the GALNT12 gene, results from a G to A substitution at nucleotide position 1084. The glycine at codon 362 is replaced by serine, an amino acid with similar properties. This amino acid position is conserved. In addition, this alteration is predicted to be deleterious by in silico analysis. Since supporting evidence is limited at this time, the clinical significance of this alteration remains unclear.

Labcorp Genetics (formerly Invitae), Labcorp
Classification: Uncertain significance. Last evaluated: 2024-10-09. Review status: criteria provided, single submitter. Criteria: Invitae Variant Classification Sherloc (09022015). Collection method: clinical testing. Allele origin: germline.
Comment: This sequence change replaces glycine, which is neutral and non-polar, with serine, which is neutral and polar, at codon 362 of the GALNT12 protein (p.Gly362Ser). This variant is not present in population databases (gnomAD no frequency). This variant has not been reported in the literature in individuals affected with GALNT12-related conditions. ClinVar contains an entry for this variant (Variation ID: 1787304). Invitae Evidence Modeling of protein sequence and biophysical properties (such as structural, functional, and spatial information, amino acid conservation, physicochemical variation, residue mobility, and thermodynamic stability) indicates that this missense variant is not expected to disrupt GALNT12 protein function with a negative predictive value of 80%. In summary, the available evidence is currently insufficient to determine the role of this variant in disease. Therefore, it has been classified as a Variant of Uncertain Significance.

NM_024642.5(GALNT12):c.1084G>A (p.Gly362Ser)

Gene: GALNT12 (polypeptide N-acetylgalactosaminyltransferase 12; plus strand). Cytogenetic location: 9q22.33.
Variant type: single nucleotide variant.
Coding change: c.1084G>A on transcript NM_024642.5 (MANE Select); coding-DNA position 1084, G replaced by A.
Protein change: p.Gly362Ser; replaces glycine 362 with serine.
Molecular consequence: missense variant.
Genome position (GRCh38, 1-based): chr9:98,837,020, G>A. VCF-style: chr9-98837020-G-A. GRCh37 (hg19) VCF-style: chr9-101599302-G-A.
Other names: short protein forms G362S.
Identifiers: ClinVar variation 1787304 (VCV001787304.5), dbSNP rs1836169484, ClinGen allele CA374219757.